The following is an entry in ClinVar:

NM_001376.5(DYNC1H1):c.3571C>A (p.Arg1191Ser)

Gene: DYNC1H1 (dynein cytoplasmic 1 heavy chain 1; plus strand). Cytogenetic location: 14q32.31.
Variant type: single nucleotide variant.
Coding change: c.3571C>A on transcript NM_001376.5 (MANE Select); coding-DNA position 3571, C replaced by A.
Protein change: p.Arg1191Ser; replaces arginine 1191 with serine.
Molecular consequence: missense variant.
Genome position (GRCh38, 1-based): chr14:101,997,041, C>A. VCF-style: chr14-101997041-C-A. GRCh37 (hg19) VCF-style: chr14-102463378-C-A.
Other names: short protein forms R1191S.
Identifiers: ClinVar variation 1446517 (VCV001446517.6), dbSNP rs774198261, ClinGen allele CA391035630.
Genomic context (GRCh38, chr14:101,997,041, plus strand): 5'-ATTTCTATCATTGTTATAGAAGAAAAAACTTGATTTATTTTTTAACTCTCAAAGCTCTAC[C>A]GCAATGGCCAGCGCTTACTGGAAAAGCAAAGGTTCCAGTTCCCACCTTCCTGGCTTTATA-3'
Protein context (NP_001367.2, residues 1181-1201): KQFEKQVELY[Arg1191Ser]NGQRLLEKQR

ClinVar aggregate classification (germline): Uncertain significance (1 of 4 stars; one submission).

Conditions:
Charcot-Marie-Tooth disease axonal type 2O. Also called: Charcot-Marie-Tooth Neuropathy Type 2O; Charcot-Marie-Tooth disease, axonal, type 20; CHARCOT-MARIE-TOOTH NEUROPATHY, AXONAL, TYPE 2O; CHARCOT-MARIE-TOOTH DISEASE, AXONAL, AUTOSOMAL DOMINANT, TYPE 2O. Identifiers: Orphanet 284232, MedGen C3280220, MONDO:0013644, OMIM 614228.

gnomAD v4.1: 1 of 1,613,884 alleles (0.000062%); highest among the groups gnomAD compares: Non-Finnish European, 0.000085%; no homozygotes.

Submission:

Labcorp Genetics (formerly Invitae), Labcorp
Classification: Uncertain significance for Charcot-Marie-Tooth disease axonal type 2O. Last evaluated: 2021-12-01. Review status: criteria provided, single submitter. Criteria: Invitae Variant Classification Sherloc (09022015). Collection method: clinical testing. Allele origin: germline.
Comment: In summary, the available evidence is currently insufficient to determine the role of this variant in disease. Therefore, it has been classified as a Variant of Uncertain Significance. Algorithms developed to predict the effect of missense changes on protein structure and function are either unavailable or do not agree on the potential impact of this missense change (SIFT: "Deleterious"; PolyPhen-2: "Benign"; Align-GVGD: "Class C0"). This variant has not been reported in the literature in individuals affected with DYNC1H1-related conditions. This variant is not present in population databases (gnomAD no frequency). This sequence change replaces arginine, which is basic and polar, with serine, which is neutral and polar, at codon 1191 of the DYNC1H1 protein (p.Arg1191Ser).